The following is an entry in ClinVar:

ClinVar aggregate classification (germline): Uncertain significance (1 of 4 stars; one submission).

Submission:

Labcorp Genetics (formerly Invitae), Labcorp
Classification: Uncertain significance. Last evaluated: 2024-02-22. Review status: criteria provided, single submitter. Criteria: Invitae Variant Classification Sherloc (09022015). Collection method: clinical testing. Allele origin: germline.
Comment: This sequence change affects codon 374 of the MAGEL2 mRNA. It is a 'silent' change, meaning that it does not change the encoded amino acid sequence of the MAGEL2 protein. This variant is not present in population databases (gnomAD no frequency). This variant has not been reported in the literature in individuals affected with MAGEL2-related conditions. In summary, the available evidence is currently insufficient to determine the role of this variant in disease. Therefore, it has been classified as a Variant of Uncertain Significance.

NM_019066.5(MAGEL2):c.1122A>T (p.Gly374=)

Gene: MAGEL2 (MAGE family member L2; minus strand). Cytogenetic location: 15q11.2.
Variant type: single nucleotide variant.
Coding change: c.1122A>T on transcript NM_019066.5 (MANE Select); coding-DNA position 1122, A replaced by T.
Protein change: p.Gly374=; no amino-acid change (glycine 374 retained).
Molecular consequence: synonymous variant.
Genome position (GRCh38, 1-based): chr15:23,646,621, T>A on the plus strand (A>T on the coding strand, the complement: MAGEL2 is on the minus strand). VCF-style: chr15-23646621-T-A. GRCh37 (hg19) VCF-style: chr15-23891768-T-A.
Identifiers: ClinVar variation 3686906 (VCV003686906.2).
Genomic context (GRCh38, chr15:23,646,621, plus strand): 5'-GACCTGCGTGGTCTGCCAAGTCAGGGGAGTGGCCTGCCAGCCTTGCTGCGTGGCCTGCCA[T>A]CCTGGCGAGGTCGCCTGCCAGCCCGGGGGTGTGGCTAGCTGCGCTGGGGGTGCCTGCGGG-3'
Protein context (NP_061939.3, residues 364-384): TPPGWQATSP[Gly374=]WQATQQGWQA